The following is an entry in ClinVar:

ClinVar aggregate classification (germline): Likely benign (1 of 4 stars; one submission).

Submission:

CeGaT Center for Human Genetics Tuebingen
Classification: Likely benign. Last evaluated: 2025-10-01. Review status: criteria provided, single submitter. Criteria: CeGaT Center For Human Genetics Tuebingen Variant Classification Criteria Version 2. Collection method: clinical testing. Allele origin: germline. Affected: yes. Observed: 1 variant allele.
Comment: SDHA: PM2:Supporting, BP4, BP7

NM_004168.4(SDHA):c.1734C>T (p.Thr578=)

Gene: SDHA (succinate dehydrogenase complex flavoprotein subunit A; plus strand). Cytogenetic location: 5p15.33.
Variant type: single nucleotide variant.
Coding change: c.1734C>T on transcript NM_004168.4 (MANE Select); coding-DNA position 1734, C replaced by T.
Protein change: p.Thr578=; no amino-acid change (threonine 578 retained).
Molecular consequence: synonymous variant. On other transcripts: intron variant (1).
Genome position (GRCh38, 1-based): chr5:251,408, C>T. VCF-style: chr5-251408-C-T. GRCh37 (hg19) VCF-style: chr5-251523-C-T.
Other names: c.1590C>T, p.Thr530= (NM_001294332.2); c.1552-2985C>T (NM_001330758.2).
Identifiers: ClinVar variation 4535021 (VCV004535021.6).